The following is an entry in ClinVar:

NM_001101362.3(KBTBD13):c.381_382dup (p.Phe128fs)

Gene: KBTBD13 (kelch repeat and BTB domain containing 13; plus strand). Cytogenetic location: 15q22.31.
Variant type: Microsatellite.
Coding change: c.381_382dup on transcript NM_001101362.3 (MANE Select); coding-DNA positions 381 to 382, 2 bases duplicated (CT; older notation c.381_382dupCT).
Protein change: p.Phe128fs; shifts the reading frame from phenylalanine 128.
Molecular consequence: frameshift variant.
Genome position (GRCh38, 1-based): chr15:65,077,196-65,077,197, CT duplicated; duplicating any 2 consecutive bases within chr15:65,077,194-65,077,197 gives the same sequence; the c. name uses the placement nearest the transcript's 3' end. VCF-style (leftmost placement, unchanged base first): chr15-65077193-G-GCT. GRCh37 (hg19) VCF-style: chr15-65369531-G-GCT.
Other names: short protein forms F128fs.
Identifiers: ClinVar variation 2913595 (VCV002913595.3), dbSNP rs2086985417, ClinGen allele CA2183439410.

ClinVar aggregate classification (germline): Uncertain significance (1 of 4 stars; one submission).

Conditions:
Nemaline myopathy 6 (NEM6). Also called: Nemaline myopathy 6, autosomal dominant. Identifiers: Orphanet 171439, MedGen C1836472, MONDO:0012237, OMIM 609273.

Submission:

Labcorp Genetics (formerly Invitae), Labcorp
Classification: Uncertain significance for Nemaline myopathy 6. Last evaluated: 2023-10-03. Review status: criteria provided, single submitter. Criteria: Invitae Variant Classification Sherloc (09022015). Collection method: clinical testing. Allele origin: germline.
Comment: This sequence change creates a premature translational stop signal (p.Phe128Serfs*34) in the KBTBD13 gene. While this is not anticipated to result in nonsense mediated decay, it is expected to disrupt the last 331 amino acid(s) of the KBTBD13 protein. This variant is not present in population databases (gnomAD no frequency). This variant has not been reported in the literature in individuals affected with KBTBD13-related conditions. In summary, the available evidence is currently insufficient to determine the role of this variant in disease. Therefore, it has been classified as a Variant of Uncertain Significance.